The following is an entry in ClinVar:

NM_001130438.3(SPTAN1):c.2516G>A (p.Arg839His)

Gene: SPTAN1 (spectrin alpha, non-erythrocytic 1; plus strand). Cytogenetic location: 9q34.11.
Variant type: single nucleotide variant.
Coding change: c.2516G>A on transcript NM_001130438.3 (MANE Select); coding-DNA position 2516, G replaced by A.
Protein change: p.Arg839His; replaces arginine 839 with histidine.
Molecular consequence: missense variant.
Genome position (GRCh38, 1-based): chr9:128,584,799, G>A. VCF-style: chr9-128584799-G-A. GRCh37 (hg19) VCF-style: chr9-131347078-G-A.
Other names: c.2516G>A, p.Arg839His (NM_001195532.2, NM_001363759.2, NM_001363765.2 and 1 more transcripts); short protein forms R839H.
Identifiers: ClinVar variation 643757 (VCV000643757.10), dbSNP rs779633188, ClinGen allele CA5264657.
Genomic context (GRCh38, chr9:128,584,799, plus strand): 5'-TCCAGAATCTGCTAAAGAAACATCAAGCCTTACAAGCAGAAATTGCTGGACATGAACCAC[G>A]CATCAAAGCAGTTACACAGAAGGGGAATGCCATGGTGGAGGAAGGTGAGTGATTGGTATC-3'
Protein context (NP_001123910.1, residues 829-849): LQAEIAGHEP[Arg839His]IKAVTQKGNA

ClinVar aggregate classification (germline): Uncertain significance. Review status: criteria provided, multiple submitters, no conflicts (2 of 4 stars). 2 submissions from 2 submitters: Uncertain significance (2). Last evaluated 2024-02-11.

Conditions:
Early-infantile DEE. Also called: Early infantile epileptic encephalopathy with suppression bursts; Early infantile epileptic encephalopathy; Ohtahara syndrome. Identifiers: Orphanet 1934, MedGen C0393706, MONDO:0800491.
Inborn genetic diseases. Identifiers: MedGen C0950123, MeSH D030342.

Allele frequency attached by ClinVar (database versions not stated): gnomAD exomes below 0.00001; ExAC 0.00001.
gnomAD v4.1: 4 of 1,614,138 alleles (0.00025%); highest among the groups gnomAD compares: South Asian, 0.0011%; no homozygotes.

Submissions (2):

Labcorp Genetics (formerly Invitae), Labcorp
Classification: Uncertain significance for Early-infantile DEE. Last evaluated: 2024-02-11. Review status: criteria provided, single submitter. Criteria: Invitae Variant Classification Sherloc (09022015). Collection method: clinical testing. Allele origin: germline.
Comment: This sequence change replaces arginine, which is basic and polar, with histidine, which is basic and polar, at codon 839 of the SPTAN1 protein (p.Arg839His). This variant is present in population databases (rs779633188, gnomAD 0.0009%). This variant has not been reported in the literature in individuals affected with SPTAN1-related conditions. ClinVar contains an entry for this variant (Variation ID: 643757). Advanced modeling of protein sequence and biophysical properties (such as structural, functional, and spatial information, amino acid conservation, physicochemical variation, residue mobility, and thermodynamic stability) has been performed at Invitae for this missense variant, however the output from this modeling did not meet the statistical confidence thresholds required to predict the impact of this variant on SPTAN1 protein function. In summary, the available evidence is currently insufficient to determine the role of this variant in disease. Therefore, it has been classified as a Variant of Uncertain Significance.

Ambry Genetics
Classification: Uncertain significance for Inborn genetic diseases. Last evaluated: 2021-09-01. Review status: criteria provided, single submitter. Criteria: Ambry Variant Classification Scheme 2023. Collection method: clinical testing. Allele origin: germline.